The following is an entry in ClinVar:

NM_002691.4(POLD1):c.294G>T (p.Gln98His)

Gene: POLD1 (DNA polymerase delta 1, catalytic subunit; plus strand). Cytogenetic location: 19q13.33.
Variant type: single nucleotide variant.
Coding change: c.294G>T on transcript NM_002691.4 (MANE Select); coding-DNA position 294, G replaced by T.
Protein change: p.Gln98His; replaces glutamine 98 with histidine.
Molecular consequence: missense variant. On other transcripts: non-coding transcript variant (1).
Genome position (GRCh38, 1-based): chr19:50,399,462, G>T. VCF-style: chr19-50399462-G-T. GRCh37 (hg19) VCF-style: chr19-50902719-G-T.
Other names: c.294G>T, p.Gln98His (NM_001256849.1, NM_001308632.1); short protein forms Q98H.
Identifiers: ClinVar variation 469312 (VCV000469312.8), dbSNP rs1219450171, ClinGen allele CA406970622.

ClinVar aggregate classification (germline): Uncertain significance (1 of 4 stars; one submission).

Conditions:
POLD1-related polyposis and colorectal cancer syndrome (CRCS10). Also called: Colorectal cancer 10; COLORECTAL CANCER, SUSCEPTIBILITY TO, ON CHROMOSOME 19q; Colorectal cancer, susceptibility to, 10. Identifiers: Orphanet 220460, MedGen C2675481, MONDO:0012953, OMIM 612591.

Submission:

Labcorp Genetics (formerly Invitae), Labcorp
Classification: Uncertain significance for POLD1-related polyposis and colorectal cancer syndrome. Last evaluated: 2021-07-08. Review status: criteria provided, single submitter. Criteria: Invitae Variant Classification Sherloc (09022015). Collection method: clinical testing. Allele origin: germline.
Comment: This variant has not been reported in the literature in individuals with POLD1-related disease. This sequence change replaces glutamine with histidine at codon 98 of the POLD1 protein (p.Gln98His). The glutamine residue is highly conserved and there is a small physicochemical difference between glutamine and histidine. This variant is not present in population databases (ExAC no frequency). Algorithms developed to predict the effect of missense changes on protein structure and function do not agree on the potential impact of this missense change (SIFT: "Tolerated"; PolyPhen-2: "Probably Damaging"; Align-GVGD: "Class C0"). In summary, the available evidence is currently insufficient to determine the role of this variant in disease. Therefore, it has been classified as a Variant of Uncertain Significance.